The following is an entry in ClinVar:

NM_004563.4(PCK2):c.11T>G (p.Leu4Trp)

Genes: PCK2 (phosphoenolpyruvate carboxykinase 2, mitochondrial; plus strand), NRL (neural retina leucine zipper; minus strand). Cytogenetic location: 14q11.2.
Variant type: single nucleotide variant.
Coding change: c.11T>G on transcript NM_004563.4 (MANE Select); coding-DNA position 11, T replaced by G.
Protein change: p.Leu4Trp; replaces leucine 4 with tryptophan.
Molecular consequence: missense variant. On other transcripts: intron variant (4), 5 prime UTR variant (2).
Genome position (GRCh38, 1-based): chr14:24,094,416, T>G. VCF-style: chr14-24094416-T-G. GRCh37 (hg19) VCF-style: chr14-24563625-T-G.
Other names: c.-27-11541A>C (NM_001354770.2, NM_001354768.3); c.-253-9671A>C (NM_006177.5); c.11T>G, p.Leu4Trp (NM_001018073.3); c.-226T>G (NM_001291556.2); c.-803T>G (NM_001308054.2); c.-352+622A>C (NM_001354769.1); short protein forms L4W.
Identifiers: ClinVar variation 2165082 (VCV002165082.4), dbSNP rs761260711, ClinGen allele CA7122974.

ClinVar aggregate classification (germline): Uncertain significance (1 of 4 stars; one submission).

Allele frequency attached by ClinVar (database versions not stated): gnomAD 0.00001; gnomAD exomes 0.00001; TOPMed 0.00002.

Submission:

Labcorp Genetics (formerly Invitae), Labcorp
Classification: Uncertain significance. Last evaluated: 2023-05-11. Review status: criteria provided, single submitter. Criteria: Invitae Variant Classification Sherloc (09022015). Collection method: clinical testing. Allele origin: germline.
Comment: In summary, the available evidence is currently insufficient to determine the role of this variant in disease. Therefore, it has been classified as a Variant of Uncertain Significance. An algorithm developed to predict the effect of missense changes on protein structure and function (PolyPhen-2) suggests that this variant is likely to be tolerated. ClinVar contains an entry for this variant (Variation ID: 2165082). This variant has not been reported in the literature in individuals affected with PCK2-related conditions. This variant is present in population databases (rs761260711, gnomAD 0.002%). This sequence change replaces leucine, which is neutral and non-polar, with tryptophan, which is neutral and slightly polar, at codon 4 of the PCK2 protein (p.Leu4Trp).